The following is an entry in ClinVar:

NM_206933.4(USH2A):c.12747del (p.Cys4250fs)

Gene: USH2A (usherin; minus strand). Cytogenetic location: 1q41.
Variant type: Deletion.
Coding change: c.12747del on transcript NM_206933.4 (MANE Select); coding-DNA position 12747, one base deleted (C; older notation c.12747delC).
Protein change: p.Cys4250fs; shifts the reading frame from cysteine 4250.
Molecular consequence: frameshift variant.
Genome position (GRCh38, 1-based): chr1:215,675,164, G deleted on the plus strand (C on the coding strand, the reverse complement: USH2A is on the minus strand); the first of 2 consecutive G bases (chr1:215,675,164-215,675,165); deleting either gives the same sequence. VCF-style (leftmost placement, unchanged base first): chr1-215675163-AG-A. GRCh37 (hg19) VCF-style: chr1-215848505-AG-A.
Other names: short protein forms C4250fs.
Identifiers: ClinVar variation 3601031 (VCV003601031.1).

ClinVar aggregate classification (germline): Pathogenic (1 of 4 stars; one submission).

Conditions:
Usher syndrome type 2A. Also called: RETINAL DISEASE IN USHER SYNDROME TYPE IIA, MODIFIER OF; USHER SYNDROME, TYPE IIA. Identifiers: Orphanet 231178, Orphanet 886, MedGen C1848634, MONDO:0010169, OMIM 276901.

Submission:

Institute of Rare Diseases, West China Hospital, Sichuan University
Classification: Pathogenic for Usher syndrome type 2A. Last evaluated: 2025-01-09. Review status: criteria provided, single submitter. Criteria: ClinGen HL ACMG Specifications v1. Collection method: research. Allele origin: germline. Affected: yes.
Comment: PVS1;PM3;PM2_Supporting